The following is an entry in ClinVar:

ClinVar aggregate classification (germline): Uncertain significance (1 of 4 stars; one submission).

Conditions:
SHANK1-related disorder. Also called: SHANK1-related condition.

Submission:

PreventionGenetics, part of Exact Sciences
Classification: Uncertain significance for SHANK1-related condition. Last evaluated: 2025-03-09. Review status: criteria provided, single submitter. Criteria: ACMG Guidelines, 2015. Collection method: clinical testing. Allele origin: germline.
Comment: The SHANK1 c.4162_4164delinsTCT variant is predicted to result in an in-frame deletion and insertion. To our knowledge, this variant has not been reported in the literature or in a large population database (gnomAD), indicating this variant is rare. At this time, the clinical significance of this variant is uncertain due to the absence of conclusive functional and genetic evidence.

NM_016148.5(SHANK1):c.4162_4164delinsTCT (p.Pro1388Ser)

Gene: SHANK1 (SH3 and multiple ankyrin repeat domains 1; minus strand). Cytogenetic location: 19q13.33.
Variant type: Indel.
Coding change: c.4162_4164delinsTCT on transcript NM_016148.5 (MANE Select); coding-DNA positions 4162 to 4164, CCG replaced by TCT.
Protein change: p.Pro1388Ser; replaces proline 1388 with serine.
Molecular consequence: missense variant.
Genome position (GRCh38, 1-based): chr19:50,667,796-50,667,798, CGG replaced by AGA on the plus strand (CCG replaced by TCT on the coding strand, the reverse complement: SHANK1 is on the minus strand). VCF-style: chr19-50667796-CGG-AGA. GRCh37 (hg19) VCF-style: chr19-51171053-CGG-AGA.
Other names: short protein forms P1388S.
Identifiers: ClinVar variation 5002515 (VCV005002515.1).